The following is an entry in ClinVar:

NM_001276270.2(MBD4):c.997A>G (p.Ile333Val)

Gene: MBD4 (methyl-CpG binding domain 4, DNA glycosylase; minus strand). Cytogenetic location: 3q21.3.
Variant type: single nucleotide variant.
Coding change: c.997A>G on transcript NM_001276270.2 (MANE Select); coding-DNA position 997, A replaced by G.
Protein change: p.Ile333Val; replaces isoleucine 333 with valine.
Molecular consequence: missense variant. On other transcripts: intron variant (1).
Genome position (GRCh38, 1-based): chr3:129,436,647, T>C on the plus strand (A>G on the coding strand, the complement: MBD4 is on the minus strand). VCF-style: chr3-129436647-T-C. GRCh37 (hg19) VCF-style: chr3-129155490-T-C.
Other names: c.997A>G, p.Ile333Val (NM_001276271.2, NM_001276272.2, NM_003925.3); c.247+1161A>G (NM_001276273.2); short protein forms I333V.
Identifiers: ClinVar variation 2863418 (VCV002863418.4), dbSNP rs994641746, ClinGen allele CA82636097.
Genomic context (GRCh38, chr3:129,436,647, plus strand): 5'-AAAAGGTATCCTCATACTTCTCGTTGTGTTCTGAGTCTTTGGCTGAACAAAATTTGTTTA[T>C]GATGCCAGAAGTTTTTTGTTCAGAACAAAAATTTGATCCTGAACTCAATGATCTTTCTTT-3'
Protein context (NP_001263199.1, residues 323-343): FCSEQKTSGI[Ile333Val]NKFCSAKDSE

ClinVar aggregate classification (germline): Uncertain significance. Review status: criteria provided, multiple submitters, no conflicts (2 of 4 stars). 2 submissions from 2 submitters: Uncertain significance (2). Last evaluated 2026-01-27.

Conditions:
Inborn genetic diseases. Identifiers: MedGen C0950123, MeSH D030342.

Allele frequency attached by ClinVar (database versions not stated): TOPMed 0.00001; gnomAD 0.00001.
gnomAD v4.1: 15 of 1,614,072 alleles (0.00093%); highest among the groups gnomAD compares: East Asian, 0.0022%; no homozygotes.

Submissions (2):

Labcorp Genetics (formerly Invitae), Labcorp
Classification: Uncertain significance. Last evaluated: 2026-01-27. Review status: criteria provided, single submitter. Criteria: Invitae Variant Classification Sherloc (09022015). Collection method: clinical testing. Allele origin: germline.
Comment: This sequence change replaces isoleucine, which is neutral and non-polar, with valine, which is neutral and non-polar, at codon 333 of the MBD4 protein (p.Ile333Val). The frequency data for this variant in the population databases is considered unreliable, as metrics indicate poor data quality at this position in the gnomAD database. This variant has not been reported in the literature in individuals affected with MBD4-related conditions. ClinVar contains an entry for this variant (Variation ID: 2863418). An algorithm developed to predict the effect of missense changes on protein structure and function outputs the following: PolyPhen-2: "Benign". The valine amino acid residue is found in multiple mammalian species, which suggests that this missense change does not adversely affect protein function. In summary, the available evidence is currently insufficient to determine the role of this variant in disease. Therefore, it has been classified as a Variant of Uncertain Significance.

Ambry Genetics
Classification: Uncertain significance for Inborn genetic diseases. Last evaluated: 2025-04-07. Review status: criteria provided, single submitter. Criteria: Ambry Variant Classification Scheme 2023. Collection method: clinical testing. Allele origin: germline.
Comment: The p.I333V variant (also known as c.997A>G), located in coding exon 3 of the MBD4 gene, results from an A to G substitution at nucleotide position 997. The isoleucine at codon 333 is replaced by valine, an amino acid with highly similar properties. This amino acid position is conserved. In addition, this alteration is predicted to be tolerated by in silico analysis. Based on the available evidence, the clinical significance of this variant remains unclear.